The following is an entry in ClinVar:

ClinVar aggregate classification (germline): Uncertain significance (1 of 4 stars; one submission).

gnomAD v4.1: 1 of 1,613,990 alleles (0.000062%); highest among the groups gnomAD compares: Non-Finnish European, 0.000085%; no homozygotes.

Submission:

GeneDx
Classification: Uncertain significance. Last evaluated: 2025-07-07. Review status: criteria provided, single submitter. Criteria: GeneDx Variant Classification Process June 2021. Collection method: clinical testing. Allele origin: germline. Affected: yes.
Comment: Not observed at significant frequency in large population cohorts (gnomAD); In silico analysis supports that this missense variant has a deleterious effect on protein structure/function; Has not been previously published as pathogenic or benign to our knowledge

NM_001303256.3(MORC2):c.246C>G (p.Ile82Met)

Gene: MORC2 (MORC family CW-type zinc finger 2; minus strand). Cytogenetic location: 22q12.2.
Variant type: single nucleotide variant.
Coding change: c.246C>G on transcript NM_001303256.3 (MANE Select); coding-DNA position 246, C replaced by G.
Protein change: p.Ile82Met; replaces isoleucine 82 with methionine.
Molecular consequence: missense variant.
Genome position (GRCh38, 1-based): chr22:30,949,823, G>C on the plus strand (C>G on the coding strand, the complement: MORC2 is on the minus strand). VCF-style: chr22-30949823-G-C. GRCh37 (hg19) VCF-style: chr22-31345809-G-C.
Other names: c.246C>G, p.Ile82Met (NM_001303257.2); c.60C>G, p.Ile20Met (NM_014941.3); short protein forms I20M, I82M.
Identifiers: ClinVar variation 4685256 (VCV004685256.1).